The following is an entry in ClinVar:

NM_001040108.2(MLH3):c.3092G>T (p.Cys1031Phe)

Gene: MLH3 (mutL homolog 3; minus strand). Cytogenetic location: 14q24.3.
Variant type: single nucleotide variant.
Coding change: c.3092G>T on transcript NM_001040108.2 (MANE Select); coding-DNA position 3092, G replaced by T.
Protein change: p.Cys1031Phe; replaces cysteine 1031 with phenylalanine.
Molecular consequence: missense variant.
Genome position (GRCh38, 1-based): chr14:75,046,564, C>A on the plus strand (G>T on the coding strand, the complement: MLH3 is on the minus strand). VCF-style: chr14-75046564-C-A. GRCh37 (hg19) VCF-style: chr14-75513267-C-A.
Other names: c.3092G>T, p.Cys1031Phe (NM_014381.3); short protein forms C1031F.
Identifiers: ClinVar variation 3232520 (VCV003232520.1), dbSNP rs991581740, ClinGen allele CA263647796.

ClinVar aggregate classification (germline): Uncertain significance (1 of 4 stars; one submission).

Allele frequency attached by ClinVar (database versions not stated): gnomAD exomes below 0.00001.
gnomAD v4.1: 1 of 1,614,166 alleles (0.000062%); highest among the groups gnomAD compares: East Asian, 0.0022%; no homozygotes.

Submission:

Ambry Genetics
Classification: Uncertain significance. Last evaluated: 2024-01-17. Review status: criteria provided, single submitter. Criteria: Ambry Variant Classification Scheme 2023. Collection method: clinical testing. Allele origin: germline.
Comment: The p.C1031F variant (also known as c.3092G>T), located in coding exon 1 of the MLH3 gene, results from a G to T substitution at nucleotide position 3092. The cysteine at codon 1031 is replaced by phenylalanine, an amino acid with highly dissimilar properties. This amino acid position is conserved. In addition, the in silico prediction for this alteration is inconclusive. Based on the available evidence, the clinical significance of this alteration remains unclear.